The following is an entry in ClinVar:

NC_000003.12:g.67360738A>G

Gene: SUCLG2 (succinate-CoA ligase GDP-forming subunit beta; minus strand). Cytogenetic location: 3p14.1.
Variant type: single nucleotide variant.
Molecular consequence: missense variant (on NM_001177599.2).
Genome position: GRCh38 VCF-style: chr3-67360738-A-G. GRCh37 (hg19) VCF-style: chr3-67411162-A-G.
Other names: c.1214T>C, p.Met405Thr (NM_001177599.2); short protein forms M405T.
Identifiers: ClinVar variation 1496942 (VCV001496942.6), dbSNP rs1197351448, ClinGen allele CA353552235.
Genomic context (GRCh38, chr3:67,360,738, plus strand): 5'-ACGTTCTCTTGGATACCAGTTATATTCTCATTTGAATTTCCTGTTTCTTGTTTTATGTGC[A>G]TATAACTTCCTTTTTTTTCCATAAAAGTACCTGAAATTGGAGTGAGATTCTTGTAATGAG-3'

ClinVar aggregate classification (germline): Uncertain significance (1 of 4 stars; one submission).

Allele frequency attached by ClinVar (database versions not stated): gnomAD exomes below 0.00001; TOPMed 0.00001.
gnomAD v4.1: 1 of 1,525,538 alleles (0.000066%); highest among the groups gnomAD compares: Non-Finnish European, 0.000087%; no homozygotes.

Submission:

Labcorp Genetics (formerly Invitae), Labcorp
Classification: Uncertain significance. Last evaluated: 2025-02-04. Review status: criteria provided, single submitter. Criteria: Invitae Variant Classification Sherloc (09022015). Collection method: clinical testing. Allele origin: germline.
Comment: This sequence change replaces methionine, which is neutral and non-polar, with threonine, which is neutral and polar, at codon 405 of the SUCLG2 protein (p.Met405Thr). This variant is not present in population databases (gnomAD no frequency). This variant has not been reported in the literature in individuals affected with SUCLG2-related conditions. ClinVar contains an entry for this variant (Variation ID: 1496942). An algorithm developed to predict the effect of missense changes on protein structure and function (PolyPhen-2) suggests that this variant is likely to be tolerated. In summary, the available evidence is currently insufficient to determine the role of this variant in disease. Therefore, it has been classified as a Variant of Uncertain Significance.